The following is an entry in ClinVar:

NM_020207.7(ERCC6L2):c.1158+5del

Gene: ERCC6L2 (ERCC excision repair 6 like 2; plus strand). Cytogenetic location: 9q22.32.
Variant type: Deletion.
Coding change: c.1158+5del on transcript NM_020207.7 (MANE Select); 5 bases into the intron after coding-DNA position 1158, one base deleted (G; older notation c.1158+5delG).
Molecular consequence: intron variant.
Genome position (GRCh38, 1-based): chr9:95,916,439, G deleted. VCF-style (leftmost placement, unchanged base first): chr9-95916438-AG-A. GRCh37 (hg19) VCF-style: chr9-98678720-AG-A.
Other names: c.1158+5del (NM_001375291.1, NM_001375292.1, NM_001375294.1 and 2 more transcripts).
Identifiers: ClinVar variation 1923973 (VCV001923973.5), dbSNP rs2490125788, ClinGen allele CA2579390089.

ClinVar aggregate classification (germline): Uncertain significance (1 of 4 stars; one submission).

Allele frequency attached by ClinVar (database versions not stated): gnomAD exomes 0.00001.

Submission:

Labcorp Genetics (formerly Invitae), Labcorp
Classification: Uncertain significance. Last evaluated: 2025-03-17. Review status: criteria provided, single submitter. Criteria: Invitae Variant Classification Sherloc (09022015). Collection method: clinical testing. Allele origin: germline.
Comment: This sequence change falls in intron 6 of the ERCC6L2 gene. It does not directly change the encoded amino acid sequence of the ERCC6L2 protein. It affects a nucleotide within the consensus splice site. This variant is not present in population databases (gnomAD no frequency). This variant has not been reported in the literature in individuals affected with ERCC6L2-related conditions. ClinVar contains an entry for this variant (Variation ID: 1923973). Variants that disrupt the consensus splice site are a relatively common cause of aberrant splicing (PMID: 17576681, 9536098). Algorithms developed to predict the effect of sequence changes on RNA splicing suggest that this variant is not likely to affect RNA splicing. In summary, the available evidence is currently insufficient to determine the role of this variant in disease. Therefore, it has been classified as a Variant of Uncertain Significance.

Literature cited by the submitters: PubMed 17576681; PubMed 9536098.